The following is an entry in ClinVar:

NM_001042492.3(NF1):c.7739-19_7739-11del

Gene: NF1 (neurofibromin 1; plus strand). Cytogenetic location: 17q11.2.
Variant type: Deletion.
Coding change: c.7739-19_7739-11del on transcript NM_001042492.3 (MANE Select); 19 bases into the intron before coding-DNA position 7739 through 11 bases into the intron before coding-DNA position 7739, 9 bases deleted (ATTCCCTAT; older notation c.7739-19_7739-11delATTCCCTAT).
Molecular consequence: intron variant.
Genome position (GRCh38, 1-based): chr17:31,356,941-31,356,949, ATTCCCTAT deleted. VCF-style (leftmost placement, unchanged base first): chr17-31356940-AATTCCCTAT-A. GRCh37 (hg19) VCF-style: chr17-29683958-AATTCCCTAT-A.
Other names: c.7676-19_7676-11del (NM_000267.4).
Identifiers: ClinVar variation 2002149 (VCV002002149.4), dbSNP rs2508826795, ClinGen allele CA2580093444.

ClinVar aggregate classification (germline): Uncertain significance (1 of 4 stars; one submission).

Conditions:
Neurofibromatosis, type 1 (NF1). Also called: Neurofibromatosis, type I; Peripheral type neurofibromatosis; NEUROFIBROMATOSIS, TYPE I, SOMATIC; VON RECKLINGHAUSEN DISEASE. Identifiers: Orphanet 636, MedGen C0027831, MONDO:0018975, OMIM 162200. Disease mechanism: loss of function.

Submission:

Labcorp Genetics (formerly Invitae), Labcorp
Classification: Uncertain significance for Neurofibromatosis, type 1. Last evaluated: 2022-06-03. Review status: criteria provided, single submitter. Criteria: Invitae Variant Classification Sherloc (09022015). Collection method: clinical testing. Allele origin: germline.
Comment: This sequence change falls in intron 51 of the NF1 gene. It does not directly change the encoded amino acid sequence of the NF1 protein. This variant is not present in population databases (gnomAD no frequency). In summary, the available evidence is currently insufficient to determine the role of this variant in disease. Therefore, it has been classified as a Variant of Uncertain Significance. Algorithms developed to predict the effect of sequence changes on RNA splicing suggest that this variant may disrupt the consensus splice site. This variant has not been reported in the literature in individuals affected with NF1-related conditions.